The following is an entry in ClinVar:

NM_005751.5(AKAP9):c.4025A>C (p.Glu1342Ala)

Gene: AKAP9 (A-kinase anchoring protein 9; plus strand). Cytogenetic location: 7q21.2.
Variant type: single nucleotide variant.
Coding change: c.4025A>C on transcript NM_005751.5 (MANE Select); coding-DNA position 4025, A replaced by C.
Protein change: p.Glu1342Ala; replaces glutamic acid 1342 with alanine.
Molecular consequence: missense variant.
Genome position (GRCh38, 1-based): chr7:92,022,886, A>C. VCF-style: chr7-92022886-A-C. GRCh37 (hg19) VCF-style: chr7-91652200-A-C.
Other names: c.4025A>C, p.Glu1342Ala (NM_147185.3); short protein forms E1342A.
Identifiers: ClinVar variation 4720167 (VCV004720167.1).

ClinVar aggregate classification (germline): Uncertain significance (1 of 4 stars; one submission).

Conditions:
Long QT syndrome (LQTS). Identifiers: MedGen C0023976, MeSH D008133, MONDO:0002442. Disease mechanism: loss of function. Inheritance: Various modes of inheritance.

Submission:

Labcorp Genetics (formerly Invitae), Labcorp
Classification: Uncertain significance for Long QT syndrome. Last evaluated: 2025-06-02. Review status: criteria provided, single submitter. Criteria: Invitae Variant Classification Sherloc (09022015). Collection method: clinical testing. Allele origin: germline.
Comment: This sequence change replaces glutamic acid, which is acidic and polar, with alanine, which is neutral and non-polar, at codon 1342 of the AKAP9 protein (p.Glu1342Ala). This variant is not present in population databases (gnomAD no frequency). This variant has not been reported in the literature in individuals affected with AKAP9-related conditions. An algorithm developed to predict the effect of missense changes on protein structure and function (PolyPhen-2) suggests that this variant is likely to be tolerated. In summary, the available evidence is currently insufficient to determine the role of this variant in disease. Therefore, it has been classified as a Variant of Uncertain Significance.